The following is an entry in ClinVar:

ClinVar aggregate classification (germline): Benign. Review status: criteria provided, multiple submitters, no conflicts (2 of 4 stars). 8 submissions from 8 submitters: Benign (8). Last evaluated 2026-02-04.

Conditions:
Surfactant metabolism dysfunction, pulmonary, 2 (SMDP2). Also called: PULMONARY ALVEOLAR PROTEINOSIS, CONGENITAL, 2; DESQUAMATIVE INTERSTITIAL PNEUMONITIS DUE TO SURFACTANT PROTEIN C DEFICIENCY; INTERSTITIAL LUNG DISEASE DUE TO SURFACTANT PROTEIN C DEFICIENCY. Identifiers: Orphanet 440392, MedGen C1970470, MONDO:0024465, OMIM 610913.

Allele frequency attached by ClinVar (database versions not stated): ESP Exome Variant Server 0.25630; ExAC 0.26775; gnomAD exomes 0.27108; gnomAD 0.28079 and 0.28233; TOPMed 0.28310; 1000 Genomes Project 0.29533; 1000 Genomes Project 30x 0.29763.
gnomAD v4.1: 408,806 of 1,596,378 alleles (26%); highest among the groups gnomAD compares: Admixed American, 36%; 53,717 homozygotes.

Submissions (8):

Labcorp Genetics (formerly Invitae), Labcorp
Classification: Benign. Last evaluated: 2026-02-04. Review status: criteria provided, single submitter. Criteria: Invitae Variant Classification Sherloc (09022015). Collection method: clinical testing. Allele origin: germline.

Blueprint Genetics
Classification: Benign. Last evaluated: 2024-11-27. Review status: criteria provided, single submitter. Criteria: ACMG Guidelines, 2015. Collection method: clinical testing. Allele origin: germline.

Mayo Clinic Laboratories, Mayo Clinic
Classification: Benign. Last evaluated: 2022-09-06. Review status: criteria provided, single submitter. Criteria: ACMG Guidelines, 2015. Collection method: clinical testing. Allele origin: germline. Observed: 6 variant alleles.

GeneDx
Classification: Benign. Last evaluated: 2018-11-28. Review status: criteria provided, single submitter. Criteria: GeneDx Variant Classification Process June 2021. Collection method: clinical testing. Allele origin: germline. Affected: yes.

Illumina Laboratory Services, Illumina
Classification: Benign for Surfactant metabolism dysfunction, pulmonary, 2. Last evaluated: 2018-01-13. Review status: criteria provided, single submitter. Criteria: ICSL Variant Classification Criteria 13 December 2019. Collection method: clinical testing. Allele origin: germline.
Comment: This variant was observed in the ICSL laboratory as part of a predisposition screen in an ostensibly healthy population. It had not been previously curated by ICSL or reported in the Human Gene Mutation Database (HGMD: prior to June 1st, 2018), and was therefore a candidate for classification through an automated scoring system. Utilizing variant allele frequency, disease prevalence and penetrance estimates, and inheritance mode, an automated score was calculated to assess if this variant is too frequent to cause the disease. Based on the score and internal cut-off values, a variant classified as benign is not then subjected to further curation. The score for this variant resulted in a classification of benign for this disease.

Laboratory for Molecular Medicine, Mass General Brigham Personalized Medicine
Classification: Benign. Last evaluated: 2013-02-21. Review status: criteria provided, single submitter. Criteria: LMM Criteria. Collection method: clinical testing. Allele origin: germline. Observed: 68 variant alleles.
Comment: 436-8C>G in intron 4 of SFTPC: This variant is not expected to have clinical sig nificance because it has been identified in 29.9% (1206/4034) of African America n chromosomes from a broad population by the NHLBI Exome Sequencing Project (dbSNP rs2070687).

Breakthrough Genomics
Classification: Benign. Review status: criteria provided, single submitter. Criteria: ACMG Guidelines, 2015. Collection method: not provided. Allele origin: germline. Inheritance: Autosomal dominant inheritance. Affected: yes.

PreventionGenetics, part of Exact Sciences
Classification: Benign. Review status: criteria provided, single submitter. Criteria: ACMG Guidelines, 2015. Collection method: clinical testing. Allele origin: germline.

NM_001317778.2(SFTPC):c.436-26C>G

Gene: SFTPC (surfactant protein C; plus strand). Cytogenetic location: 8p21.3.
Variant type: single nucleotide variant.
Coding change: c.436-26C>G on transcript NM_001317778.2 (MANE Select); 26 bases into the intron before coding-DNA position 436, C replaced by G.
Molecular consequence: intron variant.
Genome position (GRCh38, 1-based): chr8:22,163,875, C>G. VCF-style: chr8-22163875-C-G. GRCh37 (hg19) VCF-style: chr8-22021388-C-G.
Other names: p.?; c.436-8C>G (NM_003018.4, NM_001172410.2); c.436-26C>G (NM_001172357.2, NM_001317780.2); c.277-8C>G (NM_001317779.2).
Identifiers: ClinVar variation 165211 (VCV000165211.22), dbSNP rs2070687, ClinGen allele CA177959.